The following is an entry in ClinVar:

NM_138694.4(PKHD1):c.1728del (p.Ser577fs)

Gene: PKHD1 (PKHD1 ciliary IPT domain containing fibrocystin/polyductin; minus strand). Cytogenetic location: 6p12.2.
Variant type: Deletion.
Coding change: c.1728del on transcript NM_138694.4 (MANE Select); coding-DNA position 1728, one base deleted (C; older notation c.1728delC).
Protein change: p.Ser577fs; shifts the reading frame from serine 577.
Molecular consequence: frameshift variant.
Genome position (GRCh38, 1-based): chr6:52,055,695, G deleted on the plus strand (C on the coding strand, the reverse complement: PKHD1 is on the minus strand); the first of 2 consecutive G bases (chr6:52,055,695-52,055,696); deleting either gives the same sequence. VCF-style (leftmost placement, unchanged base first): chr6-52055694-TG-T. GRCh37 (hg19) VCF-style: chr6-51920492-TG-T.
Other names: c.1728del, p.Ser577fs (NM_170724.3); short protein forms S577fs.
Identifiers: ClinVar variation 1724349 (VCV001724349.5), dbSNP rs2533317419, ClinGen allele CA2580075598.

ClinVar aggregate classification (germline): Pathogenic/Likely pathogenic. Review status: criteria provided, multiple submitters, no conflicts (2 of 4 stars). 2 submissions from 2 submitters: Pathogenic (1); Likely pathogenic (1). Last evaluated 2023-07-16.

Conditions:
Polycystic kidney disease 4 (PKD4). Also called: POLYCYSTIC KIDNEY AND HEPATIC DISEASE 1; POLYCYSTIC KIDNEY DISEASE, INFANTILE, TYPE I; POLYCYSTIC KIDNEY DISEASE 4 WITH OR WITHOUT POLYCYSTIC LIVER DISEASE; PKD3; Autosomal Recessive Polycystic Kidney Disease – PKHD1. Identifiers: MedGen C4540575, MONDO:0033004, OMIM 263200.
Autosomal recessive polycystic kidney disease (ARPKD). Also called: AR polycystic kidney disease. Identifiers: Orphanet 731, Orphanet 8378, MedGen C0085548, MeSH D017044, MONDO:0009889.

Submissions (2):

Labcorp Genetics (formerly Invitae), Labcorp
Classification: Pathogenic for Autosomal recessive polycystic kidney disease. Last evaluated: 2023-07-16. Review status: criteria provided, single submitter. Criteria: Invitae Variant Classification Sherloc (09022015). Collection method: clinical testing. Allele origin: germline.
Comment: This sequence change creates a premature translational stop signal (p.Ser577Valfs*31) in the PKHD1 gene. It is expected to result in an absent or disrupted protein product. Loss-of-function variants in PKHD1 are known to be pathogenic (PMID: 19940839). For these reasons, this variant has been classified as Pathogenic. ClinVar contains an entry for this variant (Variation ID: 1724349). This variant has not been reported in the literature in individuals affected with PKHD1-related conditions. This variant is not present in population databases (gnomAD no frequency).

Myriad Genetics, Inc.
Classification: Likely pathogenic for Polycystic kidney disease 4. Last evaluated: 2022-02-07. Review status: criteria provided, single submitter. Criteria: Myriad Women's Health Autosomal Recessive and X-Linked Classification Criteria (2021). Collection method: clinical testing. Allele origin: unknown.
Comment: NM_138694.3(PKHD1):c.1728delC(S577Vfs*31) is expected to be pathogenic in the context of autosomal recessive polycystic kidney disease, PKHD1-related. This variant is predicted to lead to an abnormal or absent protein product due to the creation of a premature termination codon in PKHD1, a gene where loss-of-function variants are known to be pathogenic. Please note: this variant was assessed in the context of healthy population screening.

Literature cited by the submitters: PubMed 19940839 (cited by Labcorp Genetics (formerly Invitae), Labcorp).